The following is an entry in ClinVar:

NM_002900.3(RBP3):c.3497T>C (p.Val1166Ala)

Gene: RBP3 (retinol binding protein 3; plus strand). Cytogenetic location: 10q11.22.
Variant type: single nucleotide variant.
Coding change: c.3497T>C on transcript NM_002900.3 (MANE Select); coding-DNA position 3497, T replaced by C.
Protein change: p.Val1166Ala; replaces valine 1166 with alanine.
Molecular consequence: missense variant.
Genome position (GRCh38, 1-based): chr10:47,357,210, T>C. VCF-style: chr10-47357210-T-C. GRCh37 (hg19) VCF-style: chr10-48382152-A-G.
Other names: short protein forms V1166A.
Identifiers: ClinVar variation 1064074 (VCV001064074.10), dbSNP rs782059910, ClinGen allele CA5487030.

ClinVar aggregate classification (germline): Uncertain significance. Review status: criteria provided, multiple submitters, no conflicts (2 of 4 stars). 2 submissions from 2 submitters: Uncertain significance (2). Last evaluated 2022-07-12.

Allele frequency attached by ClinVar (database versions not stated): gnomAD exomes below 0.00001; ExAC 0.00002.
gnomAD v4.1: 2 of 1,613,902 alleles (0.00012%); highest among the groups gnomAD compares: Admixed American, 0.0017%; no homozygotes.

Submissions (2):

Labcorp Genetics (formerly Invitae), Labcorp
Classification: Uncertain significance. Last evaluated: 2022-07-12. Review status: criteria provided, single submitter. Criteria: Invitae Variant Classification Sherloc (09022015). Collection method: clinical testing. Allele origin: germline.
Comment: This sequence change replaces valine, which is neutral and non-polar, with alanine, which is neutral and non-polar, at codon 1166 of the RBP3 protein (p.Val1166Ala). This variant is present in population databases (rs782059910, gnomAD 0.003%). This variant has not been reported in the literature in individuals affected with RBP3-related conditions. ClinVar contains an entry for this variant (Variation ID: 1064074). Algorithms developed to predict the effect of missense changes on protein structure and function are either unavailable or do not agree on the potential impact of this missense change (SIFT: "Deleterious"; PolyPhen-2: "Benign"; Align-GVGD: "Class C0"). In summary, the available evidence is currently insufficient to determine the role of this variant in disease. Therefore, it has been classified as a Variant of Uncertain Significance.

Blueprint Genetics
Classification: Uncertain significance. Last evaluated: 2022-04-28. Review status: criteria provided, single submitter. Criteria: ACMG Guidelines, 2015. Collection method: clinical testing. Allele origin: germline.